The following is an entry in ClinVar:

ClinVar aggregate classification (germline): Likely pathogenic (1 of 4 stars; one submission).

Conditions:
Inborn genetic diseases. Identifiers: MedGen C0950123, MeSH D030342.

Submission:

Ambry Genetics
Classification: Likely pathogenic for Inborn genetic diseases. Last evaluated: 2025-11-03. Review status: criteria provided, single submitter. Criteria: Ambry Variant Classification Scheme 2023. Collection method: clinical testing. Allele origin: germline.
Comment: The c.3548dupA (p.V1184Gfs*58) alteration, located in exon 26 (coding exon 26) of the EHMT1 gene, consists of a duplication of A at position 3548, causing a translational frameshift with a predicted alternate stop codon after 58 amino acids. This variant is not expected to trigger nonsense-mediated mRNA decay, and impacts the last 8% of the protein. However, premature stop codons are typically deleterious in nature, the impacted region is critical for protein function, and a significant portion of the protein is affected (Ambry internal data). This variant was not reported in population-based cohorts in the Genome Aggregation Database (gnomAD). Based on the available evidence, this alteration is classified as likely pathogenic.

NM_024757.5(EHMT1):c.3548dup (p.Val1184fs)

Gene: EHMT1 (euchromatic histone lysine methyltransferase 1; plus strand). Cytogenetic location: 9q34.3.
Variant type: Duplication.
Coding change: c.3548dup on transcript NM_024757.5 (MANE Select); coding-DNA position 3548, one base duplicated (A; older notation c.3548dupA).
Protein change: p.Val1184fs; shifts the reading frame from valine 1184.
Molecular consequence: frameshift variant.
Genome position (GRCh38, 1-based): chr9:137,834,356, A duplicated. VCF-style (leftmost placement, unchanged base first): chr9-137834355-G-GA. GRCh37 (hg19) VCF-style: chr9-140728807-G-GA.
Other names: c.3527dup, p.Val1177fs (NM_001354263.2); short protein forms V1177fs, V1184fs.
Identifiers: ClinVar variation 4618301 (VCV004618301.1).